The following is an entry in ClinVar:

NM_000642.3(AGL):c.1612-14_1632delinsCC

Gene: AGL (amylo-alpha-1,6-glucosidase and 4-alpha-glucanotransferase; plus strand). Cytogenetic location: 1p21.2.
Variant type: Indel.
Coding change: c.1612-14_1632delinsCC on transcript NM_000642.3 (MANE Select); 14 bases into the intron before coding-DNA position 1612 through coding-DNA position 1632, the reference bases replaced by CC.
Molecular consequence: splice acceptor variant.
Genome position (GRCh38, 1-based): chr1:99,879,909-99,879,943, 35 bases replaced. GRCh37 (hg19): chr1:100,345,465-100,345,499.
Other names: c.1612-14_1632delinsCC (NM_000643.3, NM_000644.3, NM_001425326.1 and 2 more transcripts); c.1564-14_1584delinsCC (NM_000646.3); c.1411-14_1431delinsCC (NM_001425327.1); c.1408-14_1428delinsCC (NM_001425328.1, NM_001425329.1); c.1234-14_1254delinsCC (NM_001425332.1).
Identifiers: ClinVar variation 4814432 (VCV004814432.1).

ClinVar aggregate classification (germline): Likely pathogenic (1 of 4 stars; one submission).

Conditions:
Glycogen storage disease type III (GSD3). Also called: FORBES DISEASE; Cori disease. Identifiers: Orphanet 366, MedGen C0017922, MONDO:0009291, OMIM 232400.

Submission:

Natera, Inc.
Classification: Likely pathogenic for Glycogen storage disease type III. Last evaluated: 2025-10-04. Review status: criteria provided, single submitter. Criteria: Natera Variant Classification Schema (03/2026). Collection method: clinical testing. Allele origin: germline.
Comment: The c.1612-14_1632delinsCC variant in AGL is a deletion-insertion (delins) variant predicted to replace one or more nucleotides with a different sequence, affecting a canonical splice acceptor site. This variant is expected to result in nonsense mediated decay, truncation, or a dysfunctional protein product. This variant is rare in the general population with a frequency below the threshold expected for the associated phenotype(s). Given the available evidence, this variant is classified as Likely Pathogenic.